The following is an entry in ClinVar:

ClinVar aggregate classification (germline): Uncertain significance (1 of 4 stars; one submission).

Conditions:
Primary ciliary dyskinesia. Also called: Ciliary dyskinesia. Identifiers: Orphanet 244, MedGen C0008780, MONDO:0016575, HP:0012265.

Submission:

Labcorp Genetics (formerly Invitae), Labcorp
Classification: Uncertain significance for Primary ciliary dyskinesia. Last evaluated: 2025-10-26. Review status: criteria provided, single submitter. Criteria: Invitae Variant Classification Sherloc (09022015). Collection method: clinical testing. Allele origin: germline.
Comment: This sequence change falls in intron 18 of the RPGR gene. It does not directly change the encoded amino acid sequence of the RPGR protein. Information on the frequency of this variant in the gnomAD database is not available, as this variant may be reported differently in the database. This variant has not been reported in the literature in individuals affected with RPGR-related conditions. ClinVar contains an entry for this variant (Variation ID: 2801952). Experimental studies and prediction algorithms are not available or were not evaluated, and the effect of this variant on mRNA splicing is currently unknown. In summary, the available evidence is currently insufficient to determine the role of this variant in disease. Therefore, it has been classified as a Variant of Uncertain Significance.

NC_000023.11:g.38273374_38273375delinsGG

Gene: RPGR (retinitis pigmentosa GTPase regulator; minus strand). Cytogenetic location: Xp11.4.
Variant type: Indel.
Molecular consequence: intron variant (on NM_001367249.1).
Genome position: GRCh38 VCF-style: chrX-38273374-CA-GG. GRCh37 (hg19) VCF-style: chrX-38132627-CA-GG.
Other names: c.1905+11_1905+12delinsCC (NM_001367249.1, NM_001367250.1); c.2238+11_2238+12delinsCC (NM_001367245.1); c.1722+11_1722+12delinsCC (NM_001367251.1); c.2055+11_2055+12delinsCC (NM_001367246.1); c.1908+11_1908+12delinsCC (NM_001367247.1); c.2241+11_2241+12delinsCC (NM_000328.3); c.1938+11_1938+12delinsCC (NM_001367248.1).
Identifiers: ClinVar variation 2801952 (VCV002801952.3), dbSNP rs2519748822, ClinGen allele CA2739273426.